The following is an entry in ClinVar:

ClinVar aggregate classification (germline): Uncertain significance (1 of 4 stars; one submission).

Conditions:
Congenital muscular hypertrophy-cerebral syndrome (CDLS2). Also called: Cornelia de Lange syndrome 2; SMC1A-Related Cornelia de Lange Syndrome. Identifiers: Orphanet 199, MedGen C1802395, MONDO:0010370, OMIM 300590.

Submission:

Labcorp Genetics (formerly Invitae), Labcorp
Classification: Uncertain significance for Congenital muscular hypertrophy-cerebral syndrome. Last evaluated: 2021-03-23. Review status: criteria provided, single submitter. Criteria: Invitae Variant Classification Sherloc (09022015). Collection method: clinical testing. Allele origin: germline.
Comment: This sequence change replaces glycine with glutamic acid at codon 565 of the SMC1A protein (p.Gly565Glu). The glycine residue is moderately conserved and there is a moderate physicochemical difference between glycine and glutamic acid. This variant is not present in population databases (ExAC no frequency). This variant has not been reported in the literature in individuals with SMC1A-related conditions. Algorithms developed to predict the effect of missense changes on protein structure and function are either unavailable or do not agree on the potential impact of this missense change (SIFT: "Tolerated"; PolyPhen-2: "Possibly Damaging"; Align-GVGD: "Class C0"). In summary, the available evidence is currently insufficient to determine the role of this variant in disease. Therefore, it has been classified as a Variant of Uncertain Significance.

NM_006306.4(SMC1A):c.1694G>A (p.Gly565Glu)

Gene: SMC1A (structural maintenance of chromosomes 1A; minus strand). Cytogenetic location: Xp11.22.
Variant type: single nucleotide variant.
Coding change: c.1694G>A on transcript NM_006306.4 (MANE Select); coding-DNA position 1694, G replaced by A.
Protein change: p.Gly565Glu; replaces glycine 565 with glutamic acid.
Molecular consequence: missense variant.
Genome position (GRCh38, 1-based): chrX:53,405,808, C>T on the plus strand (G>A on the coding strand, the complement: SMC1A is on the minus strand). VCF-style: chrX-53405808-C-T. GRCh37 (hg19) VCF-style: chrX-53432740-C-T.
Other names: c.1628G>A, p.Gly543Glu (NM_001281463.1); short protein forms G565E, G543E.
Identifiers: ClinVar variation 1489413 (VCV001489413.5), dbSNP rs2146600012, ClinGen allele CA413253531.